The following is an entry in ClinVar:

NM_004260.4(RECQL4):c.1047C>G (p.Asp349Glu)

Gene: RECQL4 (RecQ like helicase 4; minus strand). Cytogenetic location: 8q24.3.
Variant type: single nucleotide variant.
Coding change: c.1047C>G on transcript NM_004260.4 (MANE Select); coding-DNA position 1047, C replaced by G.
Protein change: p.Asp349Glu; replaces aspartic acid 349 with glutamic acid.
Molecular consequence: missense variant.
Genome position (GRCh38, 1-based): chr8:144,516,072, G>C on the plus strand (C>G on the coding strand, the complement: RECQL4 is on the minus strand). VCF-style: chr8-144516072-G-C. GRCh37 (hg19) VCF-style: chr8-145741456-G-C.
Other names: short protein forms D349E.
Identifiers: ClinVar variation 1467052 (VCV001467052.6), dbSNP rs766767449, ClinGen allele CA372688229.

ClinVar aggregate classification (germline): Uncertain significance (1 of 4 stars; one submission).

Conditions:
Baller-Gerold syndrome (BGS). Also called: CRANIOSYNOSTOSIS WITH RADIAL DEFECTS. Identifiers: Orphanet 1225, MedGen C0265308, MONDO:0009039, OMIM 218600.

gnomAD v4.1: 1 of 1,612,654 alleles (0.000062%); highest among the groups gnomAD compares: South Asian, 0.0011%; no homozygotes.

Submission:

Labcorp Genetics (formerly Invitae), Labcorp
Classification: Uncertain significance for Baller-Gerold syndrome. Last evaluated: 2024-08-17. Review status: criteria provided, single submitter. Criteria: Invitae Variant Classification Sherloc (09022015). Collection method: clinical testing. Allele origin: germline.
Comment: This sequence change replaces aspartic acid, which is acidic and polar, with glutamic acid, which is acidic and polar, at codon 349 of the RECQL4 protein (p.Asp349Glu). This variant is not present in population databases (gnomAD no frequency). This variant has not been reported in the literature in individuals affected with RECQL4-related conditions. ClinVar contains an entry for this variant (Variation ID: 1467052). Invitae Evidence Modeling of protein sequence and biophysical properties (such as structural, functional, and spatial information, amino acid conservation, physicochemical variation, residue mobility, and thermodynamic stability) indicates that this missense variant is not expected to disrupt RECQL4 protein function with a negative predictive value of 80%. In summary, the available evidence is currently insufficient to determine the role of this variant in disease. Therefore, it has been classified as a Variant of Uncertain Significance.